The following is an entry in ClinVar:

ClinVar aggregate classification (germline): Pathogenic. Review status: criteria provided, multiple submitters, no conflicts (2 of 4 stars). 3 submissions from 3 submitters: Pathogenic (3). Last evaluated 2025-10-22.

Conditions:
Chronic granulomatous disease. Identifiers: Orphanet 379, MedGen C0018203, MONDO:0018305.
Granulomatous disease, chronic, autosomal recessive, cytochrome b-negative. Also called: GRANULOMATOUS DISEASE, CHRONIC, AUTOSOMAL RECESSIVE, 4; CGD DUE TO DEFICIENCY OF THE ALPHA SUBUNIT OF CYTOCHROME b; CGD, AUTOSOMAL RECESSIVE CYTOCHROME b-NEGATIVE; CYBA DEFICIENCY; Chronic granulomatous disease, autosomal, due to deficiency of CYBA. Identifiers: Orphanet 379, MedGen C1856255, MONDO:0009308, OMIM 233690.

Submissions (3):

Myriad Genetics, Inc.
Classification: Pathogenic for Granulomatous disease, chronic, autosomal recessive, cytochrome b-negative. Last evaluated: 2025-10-22. Review status: criteria provided, single submitter. Criteria: Myriad Autosomal Dominant, Autosomal Recessive and X-Linked Classification Criteria (2023). Collection method: clinical testing. Allele origin: unknown.
Comment: NM_000101.3(CYBA):c.166dupC(R56Pfs*157) is a frameshift variant that results in protein elongation classified as pathogenic in the context of chronic granulomatous disease, CYBA-related. R56Pfs*157 has been observed in cases with relevant disease (PMID: 19292887). Relevant functional assessments of this variant are not available in the literature. R56Pfs*157 has been observed in referenced population frequency databases. In summary, NM_000101.3(CYBA):c.166dupC(R56Pfs*157) is a frameshift variant that results in protein elongation in a gene where loss of function is a known mechanism of disease, is predicted to disrupt protein function, and has been observed more frequently in cases with the relevant disease than in healthy populations. Please note: this variant was assessed in the context of healthy population screening.

Natera, Inc.
Classification: Pathogenic for Chronic granulomatous disease. Last evaluated: 2025-03-20. Review status: criteria provided, single submitter. Criteria: Natera Variant Classification Schema (03/2026). Collection method: clinical testing. Allele origin: germline.
Comment: The c.166dupC variant in CYBA is a frameshift variant predicted to elongate the protein beyond the termination codon. This variant is expected to result in nonsense mediated decay, truncation, or a dysfunctional protein product. This variant is rare in the general population with a frequency below the threshold expected for the associated phenotype(s). This variant has been observed in one or more individuals affected with the associated recessive disease, as either homozygous or compound heterozygous with a second variant (PMID: 19292887, 10910929). Additionally, this variant has been observed to segregate in affected family members (PMID: 19292887, 10910929). Functional studies show that this variant may disrupt protein function (PMID: 19292887). Given the available evidence, this variant is classified as Pathogenic.

Labcorp Genetics (formerly Invitae), Labcorp
Classification: Pathogenic for Granulomatous disease, chronic, autosomal recessive, cytochrome b-negative. Last evaluated: 2022-08-28. Review status: criteria provided, single submitter. Criteria: Invitae Variant Classification Sherloc (09022015). Collection method: clinical testing. Allele origin: germline.
Comment: This variant results in an extension of the CYBA protein. Other variant(s) that result in a similarly extended protein product (p.Lys58Glufs*155) have been determined to be pathogenic (PMID: 8168815, 20167518, 27701760). This suggests that these extensions are likely to be disease-causing. Algorithms developed to predict the effect of sequence changes on RNA splicing suggest that this variant may disrupt the consensus splice site. ClinVar contains an entry for this variant (Variation ID: 1072119). This variant is also known as c.162insC and c.166_167insC. This frameshift has been observed in individual(s) with chronic granulomatous disease (PMID: 10910929, 19292887, 20167518). This variant is present in population databases (no rsID available, gnomAD 0.0009%). This sequence change results in a frameshift in the CYBA gene (p.Arg56Profs*157). While this is not anticipated to result in nonsense mediated decay, it is expected to disrupt the last 140 amino acid(s) of the CYBA protein and extend the protein by 16 additional amino acid residues. For these reasons, this variant has been classified as Pathogenic.

Literature cited by the submitters: PubMed 19292887 (cited by 3 submitters); PubMed 10910929 (cited by Natera, Inc. and Labcorp Genetics (formerly Invitae), Labcorp); PubMed 8168815 (cited by Labcorp Genetics (formerly Invitae), Labcorp); PubMed 20167518 (cited by Labcorp Genetics (formerly Invitae), Labcorp); PubMed 27701760 (cited by Labcorp Genetics (formerly Invitae), Labcorp).

NM_000101.4(CYBA):c.166dup (p.Arg56fs)

Gene: CYBA (cytochrome b-245 alpha chain; minus strand). Cytogenetic location: 16q24.2.
Variant type: Duplication.
Coding change: c.166dup on transcript NM_000101.4 (MANE Select); coding-DNA position 166, one base duplicated (C; older notation c.166dupC).
Protein change: p.Arg56fs; shifts the reading frame from arginine 56.
Molecular consequence: frameshift variant.
Genome position (GRCh38, 1-based): chr16:88,647,138, G duplicated on the plus strand (C on the coding strand, the reverse complement: CYBA is on the minus strand); the first of 5 consecutive G bases (chr16:88,647,138-88,647,142); duplicating any one gives the same sequence. VCF-style (leftmost placement, unchanged base first): chr16-88647137-C-CG. GRCh37 (hg19) VCF-style: chr16-88713545-C-CG.
Other names: c.166dupC (NM_000101.3); short protein forms R56fs.
Identifiers: ClinVar variation 1072119 (VCV001072119.13), dbSNP rs1352931329, ClinGen allele CA624184719.